The following is an entry in ClinVar:

ClinVar aggregate classification (germline): Conflicting classifications of pathogenicity. Review status: criteria provided, conflicting classifications (1 of 4 stars). 6 submissions from 6 submitters: Uncertain significance (3); Benign (2); Likely benign (1). Last evaluated 2025-11-10.

Conditions:
TSC2-related disorder. Also called: TSC2-related condition; TSC2-Related Disorders.
Hereditary cancer-predisposing syndrome. Also called: Neoplastic Syndromes, Hereditary; Hereditary Cancer Syndrome; Hereditary neoplastic syndrome; Tumor predisposition. Identifiers: Orphanet 140162, MedGen C0027672, MeSH D009386, MONDO:0015356.
Tuberous sclerosis syndrome (TSC). Also called: Tuberous Sclerosis Complex; Tuberous sclerosis. Identifiers: Orphanet 805, MedGen C0041341, MONDO:0001734.
Tuberous sclerosis 2 (TSC2). Identifiers: Orphanet 805, MedGen C1860707, MONDO:0013199, OMIM 613254.

Allele frequency attached by ClinVar (database versions not stated): gnomAD exomes below 0.00001; TOPMed below 0.00001; gnomAD 0.00001; 1000 Genomes Project 0.00020; 1000 Genomes Project 30x 0.00031.

Submissions (6):

Labcorp Genetics (formerly Invitae), Labcorp
Classification: Benign for Tuberous sclerosis 2. Last evaluated: 2025-11-10. Review status: criteria provided, single submitter. Criteria: Invitae Variant Classification Sherloc (09022015). Collection method: clinical testing. Allele origin: germline.

Color Diagnostics, LLC DBA Color Health
Classification: Uncertain significance for Tuberous sclerosis syndrome. Last evaluated: 2024-03-06. Review status: criteria provided, single submitter. Criteria: ACMG Guidelines, 2015. Collection method: clinical testing. Allele origin: germline.
Comment: This missense variant replaces alanine with threonine at codon 753 of the TSC2 protein. Computational prediction suggests that this variant may not impact protein structure and function. To our knowledge, functional studies have not been reported for this variant. This variant has not been reported in individuals affected with tuberous sclerosis complex in the literature. This variant has been identified in 2/282358 chromosomes in the general population by the Genome Aggregation Database (gnomAD). The available evidence is insufficient to determine the role of this variant in disease conclusively. Therefore, this variant is classified as a Variant of Uncertain Significance.

PreventionGenetics, part of Exact Sciences
Classification: Uncertain significance for TSC2-related condition. Last evaluated: 2023-07-20. Review status: criteria provided, single submitter. Criteria: ACMG Guidelines, 2015. Collection method: clinical testing. Allele origin: germline.
Comment: The TSC2 c.2257G>A variant is predicted to result in the amino acid substitution p.Ala753Thr. To our knowledge, this variant has not been reported in the literature. This variant is reported in 0.0050% of alleles in individuals of East Asian descent in gnomAD. It has conflicting interpretations ranging from benign to uncertain in ClinVar. At this time, the clinical significance of this variant is uncertain due to the absence of conclusive functional and genetic evidence.

St. Jude Molecular Pathology, St. Jude Children's Research Hospital
Classification: Uncertain significance for Tuberous sclerosis 2. Last evaluated: 2023-03-16. Review status: criteria provided, single submitter. Criteria: St. Jude Assertion Criteria 2020. Collection method: clinical testing. Allele origin: germline.
Comment: The TSC2 c.2257G>A (p.Ala753Thr) missense change has a maximum subpopulation frequency of 0.005% in gnomAD v2.1.1. The in silico tool REVEL is inconclusive about a pathogenic or benign effect of this variant on protein function, and to our knowledge functional studies have not been performed. To our knowledge, this variant has not been reported in individuals with tuberous sclerosis complex. In summary, the evidence currently available is insufficient to determine the clinical significance of this variant. It has therefore been classified as of uncertain significance.

Genome-Nilou Lab
Classification: Benign for Tuberous sclerosis 2. Last evaluated: 2021-11-07. Review status: criteria provided, single submitter. Criteria: ACMG Guidelines, 2015. Collection method: clinical testing. Allele origin: germline. Affected: no.

Ambry Genetics
Classification: Likely benign for Hereditary cancer-predisposing syndrome. Last evaluated: 2015-10-28. Review status: criteria provided, single submitter. Criteria: Ambry Variant Classification Scheme 2023. Collection method: clinical testing. Allele origin: germline.

NM_000548.5(TSC2):c.2257G>A (p.Ala753Thr)

Gene: TSC2 (TSC complex subunit 2; plus strand). Cytogenetic location: 16p13.3.
Variant type: single nucleotide variant.
Coding change: c.2257G>A on transcript NM_000548.5 (MANE Select); coding-DNA position 2257, G replaced by A.
Protein change: p.Ala753Thr; replaces alanine 753 with threonine.
Molecular consequence: missense variant.
Genome position (GRCh38, 1-based): chr16:2,072,885, G>A. VCF-style: chr16-2072885-G-A. GRCh37 (hg19) VCF-style: chr16-2122886-G-A.
Other names: c.2257G>A (NM_000548.4); c.2257G>A, p.Ala753Thr (NM_001077183.3, NM_001114382.3, NM_001363528.2 and 3 more transcripts); c.2146G>A, p.Ala716Thr (NM_001318827.2); c.2110G>A, p.Ala704Thr (NM_001318829.2); c.1657G>A, p.Ala553Thr (NM_001318831.2); c.2290G>A, p.Ala764Thr (NM_001318832.2); short protein forms A753T, A553T, A704T, A716T, A764T.
Identifiers: ClinVar variation 141526 (VCV000141526.20), dbSNP rs574205203, ClinGen allele CA017108.